The following is an entry in ClinVar:

ClinVar aggregate classification (germline): Uncertain significance. Review status: criteria provided, multiple submitters, no conflicts (2 of 4 stars). 7 submissions from 7 submitters: Uncertain significance (6). 1 of the submissions does not count toward it. Last evaluated 2025-12-04.

Conditions:
Inborn genetic diseases. Identifiers: MedGen C0950123, MeSH D030342.
P3H1-related disorder. Also called: P3H1-related condition.
Osteogenesis imperfecta type 8 (OI8). Identifiers: MedGen C1970458, MONDO:0012581, OMIM 610915.

Allele frequency attached by ClinVar (database versions not stated): gnomAD 0.00007 and 0.00008; ExAC 0.00008; TOPMed 0.00009; ESP Exome Variant Server 0.00015.

Submissions (7):

Ambry Genetics
Classification: Uncertain significance for Inborn genetic diseases. Last evaluated: 2025-12-04. Review status: criteria provided, single submitter. Criteria: Ambry Variant Classification Scheme 2023. Collection method: clinical testing. Allele origin: germline.
Comment: The c.1243G>A (p.V415I) alteration is located in exon 8 (coding exon 8) of the P3H1 gene. This alteration results from a G to A substitution at nucleotide position 1243, causing the valine (V) at amino acid position 415 to be replaced by an isoleucine (I). Based on data from gnomAD, the A allele has an overall frequency of 0.011% (27/251438) total alleles studied. The highest observed frequency was 0.033% (2/6138) of Other alleles. Based on insufficient or conflicting evidence, the clinical significance of this alteration remains unclear.

Women's Health and Genetics/Laboratory Corporation of America, LabCorp
Classification: Uncertain significance. Last evaluated: 2025-11-10. Review status: criteria provided, single submitter. Criteria: LabCorp Variant Classification Summary - May 2015. Collection method: clinical testing. Allele origin: germline.
Comment: Variant summary: P3H1 c.1243G>A (p.Val415Ile) results in a conservative amino acid change in the encoded protein sequence. Algorithms developed to predict the effect of missense changes on protein structure and function all suggest that this variant is likely to be tolerated. The variant allele was found at a frequency of 0.00011 in 251438 control chromosomes. This frequency is not significantly higher than estimated for disease-causing variants in P3H1, allowing no conclusion about variant significance. To our knowledge, no occurrence of c.1243G>A in individuals affected with P3H1-related conditions and no experimental evidence demonstrating its impact on protein function have been reported. ClinVar contains an entry for this variant (Variation ID: 451264). Based on the evidence outlined above, the variant was classified as uncertain significance.

Genome-Nilou Lab
Classification: Uncertain significance for Osteogenesis imperfecta type 8. Last evaluated: 2023-04-11. Review status: criteria provided, single submitter. Criteria: ACMG Guidelines, 2015. Collection method: clinical testing. Allele origin: germline. Affected: no.

Labcorp Genetics (formerly Invitae), Labcorp
Classification: Uncertain significance for Osteogenesis imperfecta type 8. Last evaluated: 2022-09-27. Review status: criteria provided, single submitter. Criteria: Invitae Variant Classification Sherloc (09022015). Collection method: clinical testing. Allele origin: germline.
Comment: This sequence change replaces valine, which is neutral and non-polar, with isoleucine, which is neutral and non-polar, at codon 415 of the P3H1 protein (p.Val415Ile). This variant is present in population databases (rs147423732, gnomAD 0.02%). This variant has not been reported in the literature in individuals affected with P3H1-related conditions. ClinVar contains an entry for this variant (Variation ID: 451264). Advanced modeling of protein sequence and biophysical properties (such as structural, functional, and spatial information, amino acid conservation, physicochemical variation, residue mobility, and thermodynamic stability) performed at Invitae indicates that this missense variant is not expected to disrupt P3H1 protein function. In summary, the available evidence is currently insufficient to determine the role of this variant in disease. Therefore, it has been classified as a Variant of Uncertain Significance.

Department of Pathology and Laboratory Medicine, Sinai Health System
Classification: Uncertain significance for Osteogenesis imperfecta type 8. Last evaluated: 2022-02-18. Review status: criteria provided, single submitter. Criteria: ACMG Guidelines, 2015. Collection method: research. Allele origin: germline.

GeneDx
Classification: Uncertain significance. Last evaluated: 2018-04-27. Review status: criteria provided, single submitter. Criteria: GeneDx Variant Classification (06012015). Collection method: clinical testing. Allele origin: germline. Affected: yes.
Comment: The V415I variant in the P3H1 gene has not been reported previously as a pathogenic variant, nor as a benign variant, to our knowledge. The V415I variant is observed in 10/66,728 (0.015%) alleles from individuals of European (non-Finnish) background in the ExAC dataset (Lek et al., 2016). The V415I variant is a conservative amino acid substitution, which is not likely to impact secondary protein structure as these residues share similar properties. This substitution occurs at a position where amino acids with similar properties to Valine are tolerated across species. In silico analysis is inconsistent in its predictions as to whether or not the variant is damaging to the protein structure/function. We interpret V415I as a variant of uncertain significance.

PreventionGenetics, part of Exact Sciences
Classification: Uncertain significance for P3H1-related condition. Last evaluated: 2024-08-14. Review status: no assertion criteria provided. Collection method: clinical testing. Allele origin: germline. Not counted in ClinVar's aggregate classification.
Comment: The P3H1 c.1243G>A variant is predicted to result in the amino acid substitution p.Val415Ile. To our knowledge, this variant has not been reported in the literature. This variant is reported in 0.021% of alleles in individuals of European (Non-Finnish) descent in gnomAD. At this time, the clinical significance of this variant is uncertain due to the absence of conclusive functional and genetic evidence.

NM_022356.4(P3H1):c.1243G>A (p.Val415Ile)

Gene: P3H1 (prolyl 3-hydroxylase 1; minus strand). Cytogenetic location: 1p34.2.
Variant type: single nucleotide variant.
Coding change: c.1243G>A on transcript NM_022356.4 (MANE Select); coding-DNA position 1243, G replaced by A.
Protein change: p.Val415Ile; replaces valine 415 with isoleucine.
Molecular consequence: missense variant.
Genome position (GRCh38, 1-based): chr1:42,754,971, C>T on the plus strand (G>A on the coding strand, the complement: P3H1 is on the minus strand). VCF-style: chr1-42754971-C-T. GRCh37 (hg19) VCF-style: chr1-43220642-C-T.
Other names: c.1243G>A, p.Val415Ile (NM_001146289.2, NM_001243246.2); short protein forms V415I.
Identifiers: ClinVar variation 451264 (VCV000451264.13), dbSNP rs147423732, ClinGen allele CA801899.
Genomic context (GRCh38, chr1:42,754,971, plus strand): 5'-TCTCTTCCACAAGGGTCTCGATTTCCTTCATAAGGTTCCCAATCTCCTGGGAGATGCGTA[C>T]GGCTGTTTCCCGTTCTGACCTATGAGCACAGCCGCTCTGAGGACTGCATTCCAGGGCCAG-3'
Protein context (NP_071751.3, residues 405-425): EKQKSERETA[Val415Ile]RISQEIGNLM